The following is an entry in ClinVar:

NM_001080414.4(CCDC88C):c.4273C>T (p.Arg1425Cys)

Gene: CCDC88C (coiled-coil and HOOK domain protein 88C; minus strand). Cytogenetic location: 14q32.11.
Variant type: single nucleotide variant.
Coding change: c.4273C>T on transcript NM_001080414.4 (MANE Select); coding-DNA position 4273, C replaced by T.
Protein change: p.Arg1425Cys; replaces arginine 1425 with cysteine.
Molecular consequence: missense variant. On other transcripts: non-coding transcript variant (2).
Genome position (GRCh38, 1-based): chr14:91,289,273, G>A on the plus strand (C>T on the coding strand, the complement: CCDC88C is on the minus strand). VCF-style: chr14-91289273-G-A. GRCh37 (hg19) VCF-style: chr14-91755617-G-A.
Other names: short protein forms R1425C.
Identifiers: ClinVar variation 4853525 (VCV004853525.1).

ClinVar aggregate classification (germline): Uncertain significance (1 of 4 stars; one submission).

gnomAD v4.1: 24 of 1,613,936 alleles (0.0015%); highest among the groups gnomAD compares: Admixed American, 0.0083%; no homozygotes.

Submission:

Women's Health and Genetics/Laboratory Corporation of America, LabCorp
Classification: Uncertain significance. Last evaluated: 2026-05-06. Review status: criteria provided, single submitter. Criteria: LabCorp Variant Classification Summary - May 2015. Collection method: clinical testing. Allele origin: germline.
Comment: Variant summary: CCDC88C c.4273C>T (p.Arg1425Cys) results in a non-conservative amino acid change in the encoded protein sequence. Algorithms developed to predict the effect of missense changes on protein structure and function are either unavailable or do not agree on the potential impact of this missense change. The variant allele was found at a frequency of 1.6e-05 in 249088 control chromosomes. The available data on variant occurrences in the general population are insufficient to allow any conclusion about variant significance. To our knowledge, no occurrence of c.4273C>T in individuals affected with CCDC88C-related conditions and no experimental evidence demonstrating its impact on protein function have been reported. No submitters have cited clinical-significance assessments for this variant to ClinVar. Based on the evidence outlined above, the variant was classified as uncertain significance.